The following is an entry in ClinVar:

NM_025137.4(SPG11):c.2937C>A (p.Asn979Lys)

Gene: SPG11 (SPG11 vesicle trafficking associated, spatacsin; minus strand). Cytogenetic location: 15q21.1.
Variant type: single nucleotide variant.
Coding change: c.2937C>A on transcript NM_025137.4 (MANE Select); coding-DNA position 2937, C replaced by A.
Protein change: p.Asn979Lys; replaces asparagine 979 with lysine.
Molecular consequence: missense variant.
Genome position (GRCh38, 1-based): chr15:44,615,464, G>T on the plus strand (C>A on the coding strand, the complement: SPG11 is on the minus strand). VCF-style: chr15-44615464-G-T. GRCh37 (hg19) VCF-style: chr15-44907662-G-T.
Other names: c.2937C>A, p.Asn979Lys (NM_001160227.2); c.2937C>A (NM_025137.3); short protein forms N979K.
Identifiers: ClinVar variation 1514140 (VCV001514140.6), dbSNP rs141238220, ClinGen allele CA270068385.

ClinVar aggregate classification (germline): Uncertain significance. Review status: criteria provided, multiple submitters, no conflicts (2 of 4 stars). 2 submissions from 2 submitters: Uncertain significance (2). Last evaluated 2022-09-22.

Conditions:
Inborn genetic diseases. Identifiers: MedGen C0950123, MeSH D030342.
Hereditary spastic paraplegia 11. Also called: Spastic paraplegia, mental retardation and thin corpus callosum; SPASTIC PARAPLEGIA, AUTOSOMAL RECESSIVE, COMPLICATED, WITH THIN CORPUS CALLOSUM; SPASTIC PARAPLEGIA, AUTOSOMAL RECESSIVE, WITH MENTAL IMPAIRMENT AND THIN CORPUS CALLOSUM; Spastic Paraplegia 11; Nakamura Osame syndrome; Autosomal recessive hereditary spastic paraplegia, mental impairment, and thin corpus callosum. Identifiers: Orphanet 2822, MedGen C1858479, MONDO:0011445, OMIM 604360.

Allele frequency attached by ClinVar (database versions not stated): gnomAD exomes below 0.00001 and 0.00001; gnomAD 0.00001; TOPMed 0.00001; ESP Exome Variant Server 0.00008.
gnomAD v4.1: 6 of 1,613,974 alleles (0.00037%); highest among the groups gnomAD compares: African/African-American, 0.008%; no homozygotes.

Submissions (2):

Ambry Genetics
Classification: Uncertain significance for Inborn genetic diseases. Last evaluated: 2022-09-22. Review status: criteria provided, single submitter. Criteria: Ambry Variant Classification Scheme 2023. Collection method: clinical testing. Allele origin: germline.

Labcorp Genetics (formerly Invitae), Labcorp
Classification: Uncertain significance for Hereditary spastic paraplegia 11. Last evaluated: 2021-08-26. Review status: criteria provided, single submitter. Criteria: Invitae Variant Classification Sherloc (09022015). Collection method: clinical testing. Allele origin: germline.
Comment: This sequence change replaces asparagine with lysine at codon 979 of the SPG11 protein (p.Asn979Lys). The asparagine residue is weakly conserved and there is a moderate physicochemical difference between asparagine and lysine. This variant is not present in population databases (ExAC no frequency). This variant has not been reported in the literature in individuals affected with SPG11-related conditions. Algorithms developed to predict the effect of missense changes on protein structure and function (SIFT, PolyPhen-2, Align-GVGD) all suggest that this variant is likely to be tolerated. In summary, the available evidence is currently insufficient to determine the role of this variant in disease. Therefore, it has been classified as a Variant of Uncertain Significance.